The following is an entry in ClinVar:

ClinVar aggregate classification (germline): Uncertain significance (1 of 4 stars; one submission).

Conditions:
Cone-rod dystrophy 6 (CORD6). Also called: Cone dystrophy progressive; RETINAL CONE DYSTROPHY 2. Identifiers: Orphanet 1872, MedGen C1866293, MONDO:0011143, OMIM 601777.
Leber congenital amaurosis 1 (LCA1). Also called: Congenital absence of the rods and cones; Leber's congenital tapetoretinal degeneration; Leber's congenital tapetoretinal dysplasia; AMAUROSIS CONGENITA OF LEBER I; RETINAL BLINDNESS, CONGENITAL. Identifiers: Orphanet 65, MedGen C2931258, MONDO:0008764, OMIM 204000.

Submission:

Labcorp Genetics (formerly Invitae), Labcorp
Classification: Uncertain significance for Leber congenital amaurosis 1; Cone-rod dystrophy 6. Last evaluated: 2022-08-07. Review status: criteria provided, single submitter. Criteria: Invitae Variant Classification Sherloc (09022015). Collection method: clinical testing. Allele origin: germline.
Comment: This variant is present in population databases (rs750566089, gnomAD 0.0009%). This sequence change replaces methionine, which is neutral and non-polar, with isoleucine, which is neutral and non-polar, at codon 895 of the GUCY2D protein (p.Met895Ile). This variant has not been reported in the literature in individuals affected with GUCY2D-related conditions. Algorithms developed to predict the effect of missense changes on protein structure and function are either unavailable or do not agree on the potential impact of this missense change (SIFT: "Deleterious"; PolyPhen-2: "Possibly Damaging"; Align-GVGD: "Class C0"). In summary, the available evidence is currently insufficient to determine the role of this variant in disease. Therefore, it has been classified as a Variant of Uncertain Significance.

NM_000180.4(GUCY2D):c.2685G>A (p.Met895Ile)

Gene: GUCY2D (guanylate cyclase 2D, retinal; plus strand). Cytogenetic location: 17p13.1.
Variant type: single nucleotide variant.
Coding change: c.2685G>A on transcript NM_000180.4 (MANE Select); coding-DNA position 2685, G replaced by A.
Protein change: p.Met895Ile; replaces methionine 895 with isoleucine.
Molecular consequence: missense variant.
Genome position (GRCh38, 1-based): chr17:8,014,967, G>A. VCF-style: chr17-8014967-G-A. GRCh37 (hg19) VCF-style: chr17-7918285-G-A.
Other names: short protein forms M895I.
Identifiers: ClinVar variation 1715551 (VCV001715551.5), dbSNP rs750566089, ClinGen allele CA8366189.